The following is an entry in ClinVar:

ClinVar aggregate classification (germline): Uncertain significance (1 of 4 stars; one submission).

Conditions:
Early-infantile DEE. Also called: Early infantile epileptic encephalopathy; Ohtahara syndrome; Early infantile epileptic encephalopathy with suppression bursts. Identifiers: Orphanet 1934, MedGen C0393706, MONDO:0800491.

Submission:

Labcorp Genetics (formerly Invitae), Labcorp
Classification: Uncertain significance for Early-infantile DEE. Last evaluated: 2025-02-10. Review status: criteria provided, single submitter. Criteria: Invitae Variant Classification Sherloc (09022015). Collection method: clinical testing. Allele origin: germline.
Comment: This sequence change replaces glutamic acid, which is acidic and polar, with glycine, which is neutral and non-polar, at codon 322 of the KCNQ2 protein (p.Glu322Gly). This variant is not present in population databases (gnomAD no frequency). This variant has not been reported in the literature in individuals affected with KCNQ2-related conditions. Invitae Evidence Modeling of protein sequence and biophysical properties (such as structural, functional, and spatial information, amino acid conservation, physicochemical variation, residue mobility, and thermodynamic stability) indicates that this missense variant is expected to disrupt KCNQ2 protein function with a positive predictive value of 95%. In summary, the available evidence is currently insufficient to determine the role of this variant in disease. Therefore, it has been classified as a Variant of Uncertain Significance.

NM_172107.4(KCNQ2):c.965A>G (p.Glu322Gly)

Gene: KCNQ2 (potassium voltage-gated channel subfamily Q member 2; minus strand). Cytogenetic location: 20q13.33.
Variant type: single nucleotide variant.
Coding change: c.965A>G on transcript NM_172107.4 (MANE Select); coding-DNA position 965, A replaced by G.
Protein change: p.Glu322Gly; replaces glutamic acid 322 with glycine.
Molecular consequence: missense variant.
Genome position (GRCh38, 1-based): chr20:63,438,683, T>C on the plus strand (A>G on the coding strand, the complement: KCNQ2 is on the minus strand). VCF-style: chr20-63438683-T-C. GRCh37 (hg19) VCF-style: chr20-62070036-T-C.
Other names: c.965A>G, p.Glu322Gly (NM_001382235.1, NM_004518.6, NM_172106.3 and 2 more transcripts); short protein forms E322G.
Identifiers: ClinVar variation 3637734 (VCV003637734.2).